The following is an entry in ClinVar:

NM_020821.3(VPS13C):c.615_617del (p.Tyr205_Glu206delinsTer)

Gene: VPS13C (vacuolar protein sorting 13 homolog C; minus strand). Cytogenetic location: 15q22.2.
Variant type: Deletion.
Coding change: c.615_617del on transcript NM_020821.3 (MANE Select); coding-DNA positions 615 to 617, 3 bases deleted (TGA; older notation c.615_617delTGA).
Protein change: p.Tyr205_Glu206delinsTer.
Molecular consequence: nonsense.
Genome position (GRCh38, 1-based): chr15:62,023,418-62,023,420, TCA deleted on the plus strand (TGA on the coding strand, the reverse complement: VPS13C is on the minus strand); deleting any 3 consecutive bases within chr15:62,023,418-62,023,421 gives the same sequence; the c. name uses the placement nearest the transcript's 3' end. VCF-style (leftmost placement, unchanged base first): chr15-62023417-TTCA-T. GRCh37 (hg19) VCF-style: chr15-62315616-TTCA-T.
Other names: c.615_617del, p.Tyr205_Glu206delinsTer (NM_001018088.3); c.486_488del, p.Tyr162_Glu163delinsTer (NM_017684.5, NM_018080.4).
Identifiers: ClinVar variation 2020191 (VCV002020191.4), dbSNP rs2548147835, ClinGen allele CA2580089837.

ClinVar aggregate classification (germline): Pathogenic (1 of 4 stars; one submission).

Submission:

Labcorp Genetics (formerly Invitae), Labcorp
Classification: Pathogenic. Last evaluated: 2024-04-17. Review status: criteria provided, single submitter. Criteria: Invitae Variant Classification Sherloc (09022015). Collection method: clinical testing. Allele origin: germline.
Comment: This sequence change creates a premature translational stop signal (p.Tyr205*) in the VPS13C gene. It is expected to result in an absent or disrupted protein product. Loss-of-function variants in VPS13C are known to be pathogenic (PMID: 26942284, 34875562). This variant is not present in population databases (gnomAD no frequency). This variant has not been reported in the literature in individuals affected with VPS13C-related conditions. ClinVar contains an entry for this variant (Variation ID: 2020191). For these reasons, this variant has been classified as Pathogenic.

Literature cited by the submitters: PubMed 26942284; PubMed 34875562.